The following is an entry in ClinVar:

NM_015001.3(SPEN):c.9068C>T (p.Ala3023Val)

Gene: SPEN (spen family transcriptional repressor; plus strand). Cytogenetic location: 1p36.13.
Variant type: single nucleotide variant.
Coding change: c.9068C>T on transcript NM_015001.3 (MANE Select); coding-DNA position 9068, C replaced by T.
Protein change: p.Ala3023Val; replaces alanine 3023 with valine.
Molecular consequence: missense variant.
Genome position (GRCh38, 1-based): chr1:15,935,308, C>T. VCF-style: chr1-15935308-C-T. GRCh37 (hg19) VCF-style: chr1-16261803-C-T.
Other names: short protein forms A3023V.
Identifiers: ClinVar variation 3365067 (VCV003365067.1).

ClinVar aggregate classification (germline): Uncertain significance (1 of 4 stars; one submission).

Submission:

GeneDx
Classification: Uncertain significance. Last evaluated: 2023-11-30. Review status: criteria provided, single submitter. Criteria: GeneDx Variant Classification Process June 2021. Collection method: clinical testing. Allele origin: germline. Affected: yes.
Comment: Not observed at significant frequency in large population cohorts (gnomAD); In silico analysis supports that this missense variant does not alter protein structure/function; Has not been previously published as pathogenic or benign to our knowledge